The following is an entry in ClinVar:

ClinVar aggregate classification (germline): Conflicting classifications of pathogenicity. Review status: criteria provided, conflicting classifications (1 of 4 stars). 6 submissions from 6 submitters: Uncertain significance (1); Likely benign (3). 2 of the submissions do not count toward it. Last evaluated 2026-01-19.

Conditions:
SGCB-related disorder. Also called: SGCB-related condition.
Autosomal recessive limb-girdle muscular dystrophy type 2E (LGMDR4). Also called: MUSCULAR DYSTROPHY, LIMB-GIRDLE, AUTOSOMAL RECESSIVE 4. Identifiers: Orphanet 119, MedGen C1858593, MONDO:0011423, OMIM 604286. Disease mechanism: Affects gamma-sarcoglycan and also disrupts the integrity of the entire sarcoglycan complex..

Allele frequency attached by ClinVar (database versions not stated): 1000 Genomes Project 30x 0.00016; 1000 Genomes Project 0.00020; gnomAD 0.00036 and 0.00039; TOPMed 0.00038; ESP Exome Variant Server 0.00046.

Submissions (6):

Labcorp Genetics (formerly Invitae), Labcorp
Classification: Likely benign for Autosomal recessive limb-girdle muscular dystrophy type 2E. Last evaluated: 2026-01-19. Review status: criteria provided, single submitter. Criteria: Invitae Variant Classification Sherloc (09022015). Collection method: clinical testing. Allele origin: germline.

Blueprint Genetics
Classification: Likely benign. Last evaluated: 2024-07-01. Review status: criteria provided, single submitter. Criteria: ACMG Guidelines, 2015. Collection method: clinical testing. Allele origin: germline.

GeneDx
Classification: Likely benign. Last evaluated: 2017-05-05. Review status: criteria provided, single submitter. Criteria: GeneDx Variant Classification (06012015). Collection method: clinical testing. Allele origin: germline. Affected: yes.
Comment: This variant is considered likely benign or benign based on one or more of the following criteria: it is a conservative change, it occurs at a poorly conserved position in the protein, it is predicted to be benign by multiple in silico algorithms, and/or has population frequency not consistent with disease.

Eurofins Ntd Llc (ga)
Classification: Uncertain significance. Last evaluated: 2016-06-28. Review status: criteria provided, single submitter. Criteria: EGL Classification Definitions 2015. Collection method: clinical testing. Allele origin: germline. Observed: 1 variant allele, 1 heterozygote.

Natera, Inc.
Classification: Likely benign for Limb-girdle muscular dystrophy type 2E. Last evaluated: 2019-12-30. Review status: no assertion criteria provided. Collection method: clinical testing. Allele origin: germline. Not counted in ClinVar's aggregate classification.

PreventionGenetics, part of Exact Sciences
Classification: Likely benign for SGCB-related condition. Last evaluated: 2019-09-18. Review status: no assertion criteria provided. Collection method: clinical testing. Allele origin: germline. Not counted in ClinVar's aggregate classification.
Comment: This variant is classified as likely benign based on ACMG/AMP sequence variant interpretation guidelines (Richards et al. 2015 PMID: 25741868, with internal and published modifications).

NM_000232.5(SGCB):c.768C>T (p.Ile256=)

Gene: SGCB (sarcoglycan beta; minus strand). Cytogenetic location: 4q12.
Variant type: single nucleotide variant.
Coding change: c.768C>T on transcript NM_000232.5 (MANE Select); coding-DNA position 768, C replaced by T.
Protein change: p.Ile256=; no amino-acid change (isoleucine 256 retained).
Molecular consequence: synonymous variant.
Genome position (GRCh38, 1-based): chr4:52,024,146, G>A on the plus strand (C>T on the coding strand, the complement: SGCB is on the minus strand). VCF-style: chr4-52024146-G-A. GRCh37 (hg19) VCF-style: chr4-52890312-G-A.
Identifiers: ClinVar variation 289102 (VCV000289102.23), dbSNP rs149121189, ClinGen allele CA2918281.